The following is an entry in ClinVar:

ClinVar aggregate classification (germline): Uncertain significance (1 of 4 stars; one submission).

Allele frequency attached by ClinVar (database versions not stated): gnomAD 0.00001.
gnomAD v4.1: 1 of 1,613,766 alleles (0.000062%); highest among the groups gnomAD compares: African/African-American, 0.0013%; no homozygotes.

Submission:

Biesecker Lab/Clinical Genomics Section, National Institutes of Health
Classification: Uncertain significance. Last evaluated: 2013-06-24. Review status: criteria provided, single submitter. Criteria: Ng et al. (Circ Cardiovasc Genet. 2013). Collection method: research. Allele origin: unknown. Observed: 1 variant allele. Study: ClinSeq.
Comment: The study set was not selected for affection status in relation to any cancer. Pathogenicity categories were based on literature curation. See Pubmed ID:23861362 for details.

Medical sequencing

NM_001386795.1(DTNA):c.479G>A (p.Gly160Glu)

Gene: DTNA (dystrobrevin alpha; plus strand). Cytogenetic location: 18q12.1.
Variant type: single nucleotide variant.
Coding change: c.479G>A on transcript NM_001386795.1 (MANE Select); coding-DNA position 479, G replaced by A.
Protein change: p.Gly160Glu; replaces glycine 160 with glutamic acid.
Molecular consequence: missense variant.
Genome position (GRCh38, 1-based): chr18:34,811,989, G>A. VCF-style: chr18-34811989-G-A. GRCh37 (hg19) VCF-style: chr18-32391953-G-A.
Other names: c.479G>A, p.Gly160Glu (NM_001128175.2, NM_001198938.2, NM_001198939.2 and 35 more transcripts); short protein forms G160E.
Identifiers: ClinVar variation 191649 (VCV000191649.1), dbSNP rs201550119, ClinGen allele CA237149.
Genomic context (GRCh38, chr18:34,811,989, plus strand): 5'-GAATAATATCTTTCCTTTTCCTTTCATCAGATATTTTCTCAATGATTTCTGACTCCAGTG[G>A]GGTGATGGTTTATGGACGATATGACCAATTCCTTCGGGAAGTTCTCAAACTACCCACGGC-3'
Protein context (NP_001373724.1, residues 150-170): YIFSMISDSS[Gly160Glu]VMVYGRYDQF